The following is an entry in ClinVar:

NM_000193.4(SHH):c.100_101del (p.Arg34fs)

Gene: SHH (sonic hedgehog signaling molecule; minus strand). Cytogenetic location: 7q36.3.
Variant type: Deletion.
Coding change: c.100_101del on transcript NM_000193.4 (MANE Select); coding-DNA positions 100 to 101, 2 bases deleted (AG; older notation c.100_101delAG).
Protein change: p.Arg34fs; shifts the reading frame from arginine 34.
Molecular consequence: frameshift variant.
Genome position (GRCh38, 1-based): chr7:155,812,022-155,812,023, CT deleted on the plus strand (AG on the coding strand, the reverse complement: SHH is on the minus strand); deleting any 2 consecutive bases within chr7:155,812,022-155,812,024 gives the same sequence; the c. name uses the placement nearest the transcript's 3' end. VCF-style (leftmost placement, unchanged base first): chr7-155812021-CCT-C. GRCh37 (hg19) VCF-style: chr7-155604715-CCT-C.
Other names: short protein forms R34fs.
Identifiers: ClinVar variation 689618 (VCV000689618.2), dbSNP rs1584806077, ClinGen allele CA915945599.

ClinVar aggregate classification (germline): Pathogenic (1 of 4 stars; one submission).

Conditions:
Holoprosencephaly 3 (HPE3). Identifiers: Orphanet 2162, MedGen C1840529, MONDO:0007733, OMIM 142945.

Submission:

HudsonAlpha Institute for Biotechnology
Classification: Pathogenic for Holoprosencephaly 3. Last evaluated: 2019-04-04. Review status: criteria provided, single submitter. Criteria: ACMG Guidelines, 2015. Collection method: research. Allele origin: unknown. Affected: yes. Observed: 1 variant allele. Study: CSER-SouthSeq.
Comment: ACMG codes: PVS1, PM2, PP4